The following is an entry in ClinVar:

ClinVar aggregate classification (germline): Likely pathogenic (1 of 4 stars; one submission).

Conditions:
Pyruvate carboxylase deficiency. Also called: ATAXIA WITH LACTIC ACIDOSIS II; LEIGH NECROTIZING ENCEPHALOPATHY DUE TO PYRUVATE CARBOXYLASE DEFICIENCY; LEIGH SYNDROME DUE TO PYRUVATE CARBOXYLASE DEFICIENCY; PC DEFICIENCY; Pyruvate Carboxylase Deficiency Disease. Identifiers: Orphanet 3008, MedGen C0034341, MONDO:0009949, OMIM 266150.

Submission:

Myriad Genetics, Inc.
Classification: Likely pathogenic for Pyruvate carboxylase deficiency. Last evaluated: 2022-01-02. Review status: criteria provided, single submitter. Criteria: Myriad Women's Health Autosomal Recessive and X-Linked Classification Criteria (2021). Collection method: clinical testing. Allele origin: unknown.
Comment: NM_000920.3(PC):c.248_249ins13(Y84Lfs*44) is expected to be pathogenic in the context of pyruvate carboxylase deficiency. This variant is predicted to lead to an abnormal or absent protein product due to the creation of a premature termination codon in PC, a gene where loss-of-function variants are known to be pathogenic. Please note: this variant was assessed in the context of healthy population screening.

NM_001040716.2(PC):c.248_249insACTCACCCAAGAT (p.Tyr84fs)

Gene: PC (pyruvate carboxylase; minus strand). Cytogenetic location: 11q13.2.
Variant type: Insertion.
Coding change: c.248_249insACTCACCCAAGAT on transcript NM_001040716.2 (MANE Select); coding-DNA positions 248 to 249, ACTCACCCAAGAT inserted.
Protein change: p.Tyr84fs; shifts the reading frame from tyrosine 84.
Molecular consequence: frameshift variant.
Genome position: GRCh38 VCF-style: chr11-66871759-G-GATCTTGGGTGAGT. GRCh37 (hg19) VCF-style: chr11-66639230-G-GATCTTGGGTGAGT.
Other names: c.248_249insACTCACCCAAGAT, p.Tyr84fs (NM_000920.4, NM_022172.3); short protein forms Y84fs.
Identifiers: ClinVar variation 1726789 (VCV001726789.2), dbSNP rs2495798589, ClinGen allele CA2580084600.